The following is an entry in ClinVar:

ClinVar aggregate classification (germline): Uncertain significance (1 of 4 stars; one submission).

gnomAD v4.1: 5 of 1,606,798 alleles (0.00031%); highest among the groups gnomAD compares: African/African-American, 0.0054%; no homozygotes.

Submission:

Women's Health and Genetics/Laboratory Corporation of America, LabCorp
Classification: Uncertain significance. Last evaluated: 2026-04-03. Review status: criteria provided, single submitter. Criteria: LabCorp Variant Classification Summary - May 2015. Collection method: clinical testing. Allele origin: germline.
Comment: Variant summary: CRNKL1 c.*16C>G is located in the untranslated mRNA region downstream of the termination codon. The variant allele was found at a frequency of 4.1e-06 in 246654 control chromosomes. The available data on variant occurrences in the general population are insufficient to allow any conclusion about variant significance. To our knowledge, no occurrence of c.*16C>G in individuals affected with CRNKL1-related conditions and no experimental evidence demonstrating its impact on protein function have been reported. No submitters have cited clinical-significance assessments for this variant to ClinVar. Based on the evidence outlined above, the variant was classified as uncertain significance.

NM_001278628.2(CRNKL1):c.*16C>G

Gene: CRNKL1 (crooked neck pre-mRNA splicing factor 1; minus strand). Cytogenetic location: 20p11.23.
Variant type: single nucleotide variant.
Coding change: c.*16C>G on transcript NM_001278628.2 (MANE Select); 16 bases downstream of the stop codon, C replaced by G.
Molecular consequence: 3 prime UTR variant.
Genome position (GRCh38, 1-based): chr20:20,036,179, G>C on the plus strand (C>G on the coding strand, the complement: CRNKL1 is on the minus strand). VCF-style: chr20-20036179-G-C. GRCh37 (hg19) VCF-style: chr20-20016823-G-C.
Other names: c.*16C>G (NM_001278625.2, NM_001278626.2, NM_001278627.2 and 1 more transcripts).
Identifiers: ClinVar variation 4848916 (VCV004848916.1).